The following is an entry in ClinVar:

ClinVar aggregate classification (germline): Uncertain significance (1 of 4 stars; one submission).

Conditions:
Long QT syndrome (LQTS). Identifiers: MedGen C0023976, MeSH D008133, MONDO:0002442. Disease mechanism: loss of function. Inheritance: Various modes of inheritance.

Submission:

Labcorp Genetics (formerly Invitae), Labcorp
Classification: Uncertain significance for Long QT syndrome. Last evaluated: 2025-08-20. Review status: criteria provided, single submitter. Criteria: Invitae Variant Classification Sherloc (09022015). Collection method: clinical testing. Allele origin: germline.
Comment: This sequence change replaces serine, which is neutral and polar, with phenylalanine, which is neutral and non-polar, at codon 995 of the KCNH2 protein (p.Ser995Phe). This variant is not present in population databases (gnomAD no frequency). This variant has not been reported in the literature in individuals affected with KCNH2-related conditions. ClinVar contains an entry for this variant (Variation ID: 3705626). An algorithm developed to predict the effect of missense changes on protein structure and function (PolyPhen-2) suggests that this variant is likely to be disruptive. In summary, the available evidence is currently insufficient to determine the role of this variant in disease. Therefore, it has been classified as a Variant of Uncertain Significance.

NM_000238.4(KCNH2):c.2984C>T (p.Ser995Phe)

Gene: KCNH2 (potassium voltage-gated channel subfamily H member 2; minus strand). Cytogenetic location: 7q36.1.
Variant type: single nucleotide variant.
Coding change: c.2984C>T on transcript NM_000238.4 (MANE Select); coding-DNA position 2984, C replaced by T.
Protein change: p.Ser995Phe; replaces serine 995 with phenylalanine.
Molecular consequence: missense variant. On other transcripts: non-coding transcript variant (2).
Genome position (GRCh38, 1-based): chr7:150,947,496, G>A on the plus strand (C>T on the coding strand, the complement: KCNH2 is on the minus strand). VCF-style: chr7-150947496-G-A. GRCh37 (hg19) VCF-style: chr7-150644584-G-A.
Other names: c.2696C>T, p.Ser899Phe (NM_001406753.1); c.1964C>T, p.Ser655Phe (NM_172057.3); short protein forms S655F, S899F, S995F.
Identifiers: ClinVar variation 3705626 (VCV003705626.2).